The following is an entry in ClinVar:

ClinVar aggregate classification (germline): Uncertain significance (1 of 4 stars; one submission).

Conditions:
Warburg micro syndrome 2 (WARBM2). Also called: MICRO SYNDROME 2. Identifiers: Orphanet 2510, MedGen C3280214, MONDO:0013641, OMIM 614225.
Martsolf syndrome (MARTS). Also called: Congenital cataract with intellectual disability and hypogonadotropic hypogonadism syndrome. Identifiers: Orphanet 1387, MedGen C0796037, MONDO:0023910.

Submission:

Labcorp Genetics (formerly Invitae), Labcorp
Classification: Uncertain significance for Martsolf syndrome; Warburg micro syndrome 2. Last evaluated: 2022-05-25. Review status: criteria provided, single submitter. Criteria: Invitae Variant Classification Sherloc (09022015). Collection method: clinical testing. Allele origin: germline.
Comment: In summary, the available evidence is currently insufficient to determine the role of this variant in disease. Therefore, it has been classified as a Variant of Uncertain Significance. Experimental studies and prediction algorithms are not available or were not evaluated, and the effect of this variant on mRNA splicing is currently unknown. This variant has not been reported in the literature in individuals affected with RAB3GAP2-related conditions. This variant is not present in population databases (gnomAD no frequency). This sequence change falls in intron 19 of the RAB3GAP2 gene. It does not directly change the encoded amino acid sequence of the RAB3GAP2 protein.

NM_012414.4(RAB3GAP2):c.1999-2del

Gene: RAB3GAP2 (RAB3 GTPase activating non-catalytic protein subunit 2; minus strand). Cytogenetic location: 1q41.
Variant type: Deletion.
Coding change: c.1999-2del on transcript NM_012414.4 (MANE Select); the canonical splice acceptor site of the intron before coding-DNA position 1999, one base deleted (A; older notation c.1999-2delA).
Molecular consequence: splice acceptor variant.
Genome position (GRCh38, 1-based): chr1:220,182,933, T deleted on the plus strand (A on the coding strand, the reverse complement: RAB3GAP2 is on the minus strand); the first of 3 consecutive T bases (chr1:220,182,933-220,182,935); deleting any one gives the same sequence. VCF-style (leftmost placement, unchanged base first): chr1-220182932-CT-C. GRCh37 (hg19) VCF-style: chr1-220356274-CT-C.
Identifiers: ClinVar variation 2414648 (VCV002414648.7), dbSNP rs2528663681, ClinGen allele CA2580062204.